The following is an entry in ClinVar:

NM_017654.4(SAMD9):c.1577C>T (p.Ser526Leu)

Gene: SAMD9 (sterile alpha motif domain containing 9; minus strand). Cytogenetic location: 7q21.2.
Variant type: single nucleotide variant.
Coding change: c.1577C>T on transcript NM_017654.4 (MANE Select); coding-DNA position 1577, C replaced by T.
Protein change: p.Ser526Leu; replaces serine 526 with leucine.
Molecular consequence: missense variant.
Genome position (GRCh38, 1-based): chr7:93,104,521, G>A on the plus strand (C>T on the coding strand, the complement: SAMD9 is on the minus strand). VCF-style: chr7-93104521-G-A. GRCh37 (hg19) VCF-style: chr7-92733834-G-A.
Other names: c.1577C>T, p.Ser526Leu (NM_001193307.2); short protein forms S526L.
Identifiers: ClinVar variation 2791593 (VCV002791593.3), dbSNP rs1448984067, ClinGen allele CA368195784.

ClinVar aggregate classification (germline): Uncertain significance (1 of 4 stars; one submission).

Allele frequency attached by ClinVar (database versions not stated): TOPMed 0.00001.

Submission:

Labcorp Genetics (formerly Invitae), Labcorp
Classification: Uncertain significance. Last evaluated: 2025-09-29. Review status: criteria provided, single submitter. Criteria: Invitae Variant Classification Sherloc (09022015). Collection method: clinical testing. Allele origin: germline.
Comment: This sequence change replaces serine, which is neutral and polar, with leucine, which is neutral and non-polar, at codon 526 of the SAMD9 protein (p.Ser526Leu). This variant is present in population databases (no rsID available, gnomAD 0.003%). This variant has not been reported in the literature in individuals affected with SAMD9-related conditions. ClinVar contains an entry for this variant (Variation ID: 2791593). An algorithm developed to predict the effect of missense changes on protein structure and function outputs the following: PolyPhen-2: "Probably Damaging". The leucine amino acid residue is found in multiple mammalian species, which suggests that this missense change does not adversely affect protein function. In summary, the available evidence is currently insufficient to determine the role of this variant in disease. Therefore, it has been classified as a Variant of Uncertain Significance.